The following is an entry in ClinVar:

NM_000486.6(AQP2):c.655T>C (p.Tyr219His)

Genes: AQP2 (aquaporin 2; plus strand), AQP5-AS1 (AQP5 and AQP2 antisense RNA 2; minus strand). Cytogenetic location: 12q13.12.
Variant type: single nucleotide variant.
Coding change: c.655T>C on transcript NM_000486.6 (MANE Select); coding-DNA position 655, T replaced by C.
Protein change: p.Tyr219His; replaces tyrosine 219 with histidine.
Molecular consequence: missense variant.
Genome position (GRCh38, 1-based): chr12:49,955,447, T>C. VCF-style: chr12-49955447-T-C. GRCh37 (hg19) VCF-style: chr12-50349230-T-C.
Other names: short protein forms Y219H.
Identifiers: ClinVar variation 2960588 (VCV002960588.4), dbSNP rs1193417520, ClinGen allele CA384775516.

ClinVar aggregate classification (germline): Uncertain significance. Review status: criteria provided, multiple submitters, no conflicts (2 of 4 stars). 2 submissions from 2 submitters: Uncertain significance (2). Last evaluated 2025-06-12.

Conditions:
Diabetes insipidus, nephrogenic, autosomal (NDI2). Also called: Diabetes insipidus, nephrogenic, 2, autosomal; Nephrogenic Diabetes Insipidus, Type II. Identifiers: Orphanet 223, MedGen C1563706, MONDO:0007451, OMIM 125800.

Allele frequency attached by ClinVar (database versions not stated): gnomAD exomes below 0.00001; TOPMed below 0.00001; gnomAD 0.00001.

Submissions (2):

Labcorp Genetics (formerly Invitae), Labcorp
Classification: Uncertain significance. Last evaluated: 2025-06-12. Review status: criteria provided, single submitter. Criteria: Invitae Variant Classification Sherloc (09022015). Collection method: clinical testing. Allele origin: germline.
Comment: This sequence change replaces tyrosine, which is neutral and polar, with histidine, which is basic and polar, at codon 219 of the AQP2 protein (p.Tyr219His). This variant is present in population databases (no rsID available, gnomAD 0.01%). This variant has not been reported in the literature in individuals affected with AQP2-related conditions. ClinVar contains an entry for this variant (Variation ID: 2960588). Invitae Evidence Modeling of protein sequence and biophysical properties (such as structural, functional, and spatial information, amino acid conservation, physicochemical variation, residue mobility, and thermodynamic stability) indicates that this missense variant is not expected to disrupt AQP2 protein function with a negative predictive value of 80%. In summary, the available evidence is currently insufficient to determine the role of this variant in disease. Therefore, it has been classified as a Variant of Uncertain Significance.

Fulgent Genetics
Classification: Uncertain significance for Diabetes insipidus, nephrogenic, autosomal. Last evaluated: 2024-03-19. Review status: criteria provided, single submitter. Criteria: ACMG Guidelines, 2015. Collection method: clinical testing. Allele origin: germline.